The following is an entry in ClinVar:

NM_001009944.3(PKD1):c.3026A>T (p.Tyr1009Phe)

Gene: PKD1 (polycystin 1, transient receptor potential channel interacting; minus strand). Cytogenetic location: 16p13.3.
Variant type: single nucleotide variant.
Coding change: c.3026A>T on transcript NM_001009944.3 (MANE Select); coding-DNA position 3026, A replaced by T.
Protein change: p.Tyr1009Phe; replaces tyrosine 1009 with phenylalanine.
Molecular consequence: missense variant.
Genome position (GRCh38, 1-based): chr16:2,112,923, T>A on the plus strand (A>T on the coding strand, the complement: PKD1 is on the minus strand). VCF-style: chr16-2112923-T-A. GRCh37 (hg19) VCF-style: chr16-2162924-T-A.
Other names: c.3026A>T, p.Tyr1009Phe (NM_000296.4); short protein forms Y1009F.
Identifiers: ClinVar variation 4992253 (VCV004992253.1).

ClinVar aggregate classification (germline): Uncertain significance (1 of 4 stars; one submission).

Conditions:
PKD1-related disorder. Also called: PKD1-related condition.

Submission:

PreventionGenetics, part of Exact Sciences
Classification: Uncertain significance for PKD1-related condition. Last evaluated: 2026-06-03. Review status: criteria provided, single submitter. Criteria: ACMG Guidelines, 2015. Collection method: clinical testing. Allele origin: germline.
Comment: The PKD1 c.3026A>T variant is predicted to result in the amino acid substitution p.Tyr1009Phe. To our knowledge, this variant has not been reported in the literature or in a large population database (gnomAD), indicating this variant is rare. At this time, the clinical significance of this variant is uncertain due to the absence of conclusive functional and genetic evidence.